The following is an entry in ClinVar:

ClinVar aggregate classification (germline): Pathogenic. Review status: criteria provided, multiple submitters, no conflicts (2 of 4 stars). 6 submissions from 6 submitters: Pathogenic (6). Last evaluated 2025-10-17.

Conditions:
SKIN/HAIR/EYE PIGMENTATION 1, BLUE/NONBLUE EYES (SHEP1). Also called: BROWN EYE COLOR 2; EYE COLOR 3; EYE COLOR, BLUE/NONBLUE; EYE COLOR, BROWN/BLUE; HAIR COLOR 3; SKIN/HAIR/EYE PIGMENTATION 1, BLOND/BROWN HAIR. Identifiers: MedGen C1856895, OMIM 227220.
OCA2-related disorder. Also called: OCA2-related condition.
Oculocutaneous albinism. Identifiers: Orphanet 55, MedGen C0078918, MONDO:0018910.
Tyrosinase-positive oculocutaneous albinism (OCA2). Also called: ALBINISM II; Oculocutaneous albinism type 2; Albinism, oculocutaneous, type II. Identifiers: Orphanet 79432, MedGen C0268495, MONDO:0008746, OMIM 203200.

Submissions (6):

PreventionGenetics, part of Exact Sciences
Classification: Pathogenic for OCA2-related condition. Last evaluated: 2025-10-17. Review status: criteria provided, single submitter. Criteria: ACMG Guidelines, 2015. Collection method: clinical testing. Allele origin: germline.
Comment: The OCA2 c.2051_2052delinsG variant is predicted to result in a frameshift and premature protein termination (p.Phe684Cysfs*8). This variant has been reported in an individual with oculocutaneous albinism (described as c.2051T>G and c.2055delT together as a complex allele in Table 1, Simeonov et al. 2013. PubMed ID: 23504663). This variant has not been reported in a large population database (gnomAD), indicating this variant is rare. Frameshift variants in OCA2 are an established mechanism of disease. Given the evidence, we interpret this variant as pathogenic.

Fulgent Genetics
Classification: Pathogenic for Tyrosinase-positive oculocutaneous albinism; SKIN/HAIR/EYE PIGMENTATION 1, BLUE/NONBLUE EYES. Last evaluated: 2024-03-30. Review status: criteria provided, single submitter. Criteria: ACMG Guidelines, 2015. Collection method: clinical testing. Allele origin: germline.

Baylor Genetics
Classification: Pathogenic for SKIN/HAIR/EYE PIGMENTATION 1, BLUE/NONBLUE EYES. Last evaluated: 2024-03-28. Review status: criteria provided, single submitter. Criteria: ACMG Guidelines, 2015. Collection method: clinical testing. Allele origin: unknown.

Women's Health and Genetics/Laboratory Corporation of America, LabCorp
Classification: Pathogenic for Oculocutaneous albinism. Last evaluated: 2023-12-12. Review status: criteria provided, single submitter. Criteria: LabCorp Variant Classification Summary - May 2015. Collection method: clinical testing. Allele origin: germline.
Comment: Variant summary: OCA2 c.2051_2052delinsG (p.Phe684CysfsX8) results in a premature termination codon, predicted to cause a truncation of the encoded protein or absence of the protein due to nonsense mediated decay, which are commonly known mechanisms for disease. The variant was absent in 251236 control chromosomes. c.2051_2052delinsG has been reported in the literature in individuals affected with Oculocutaneous Albinism (Simeonov_2013). To our knowledge, no experimental evidence demonstrating an impact on protein function has been reported. Two submitters have cited clinical-significance assessments for this variant to ClinVar after 2014. All submitters classified the variant as pathogenic. Based on the evidence outlined above, the variant was classified as pathogenic.

GeneDx
Classification: Pathogenic. Last evaluated: 2022-04-18. Review status: criteria provided, single submitter. Criteria: GeneDx Variant Classification Process June 2021. Collection method: clinical testing. Allele origin: germline. Affected: yes.
Comment: Frameshift variant predicted to result in protein truncation or nonsense mediated decay in a gene for which loss-of-function is a known mechanism of disease; This variant is associated with the following publications: (PMID: 23504663)

Labcorp Genetics (formerly Invitae), Labcorp
Classification: Pathogenic. Last evaluated: 2020-12-03. Review status: criteria provided, single submitter. Criteria: Invitae Variant Classification Sherloc (09022015). Collection method: clinical testing. Allele origin: germline.
Comment: This sequence change creates a premature translational stop signal (p.Phe684Cysfs*8) in the OCA2 gene. It is expected to result in an absent or disrupted protein product. Loss-of-function variants in OCA2 are known to be pathogenic (PMID: 19865097, 21541274). For these reasons, this variant has been classified as Pathogenic. This variant has been observed in individual(s) with oculocutaneous albinism (PMID: 23504663). ClinVar contains an entry for this variant (Variation ID: 430966). This variant is present in population databases (rs772595552, ExAC 0.005%).

Literature cited by the submitters: PubMed 23504663 (cited by Women's Health and Genetics/Laboratory Corporation of America, LabCorp and Labcorp Genetics (formerly Invitae), Labcorp); PubMed 19865097 (cited by Labcorp Genetics (formerly Invitae), Labcorp); PubMed 21541274 (cited by Labcorp Genetics (formerly Invitae), Labcorp).

NM_000275.3(OCA2):c.2051_2052delinsG (p.Phe684fs)

Gene: OCA2 (OCA2 melanosomal transmembrane protein; minus strand). Cytogenetic location: 15q13.1.
Variant type: Indel.
Coding change: c.2051_2052delinsG on transcript NM_000275.3 (MANE Select); coding-DNA positions 2051 to 2052, TT replaced by G.
Protein change: p.Phe684fs; shifts the reading frame from phenylalanine 684.
Molecular consequence: frameshift variant.
Genome position (GRCh38, 1-based): chr15:27,926,154-27,926,155, AA replaced by C on the plus strand (TT replaced by G on the coding strand, the reverse complement: OCA2 is on the minus strand). VCF-style: chr15-27926154-AA-C. GRCh37 (hg19) VCF-style: chr15-28171300-AA-C.
Other names: c.1979_1980delinsG, p.Phe660fs (NM_001300984.2); c.2051_2052delTTinsG (NM_000275.2); short protein forms F660fs, F684fs.
Identifiers: ClinVar variation 817597 (VCV000817597.13), dbSNP rs1595660890, ClinGen allele CA915946478.
Genomic context (GRCh38, chr15:27,926,154, plus strand): 5'-AAATGCCATATGGCAAAAGTTCTAAAATCTTACCTCCATCAGAACAAAGAGCGCTGCAAA[AA>C]ACAGAAGGGTTGCCCATTCCACTCTGTGTAGAATTATCTCAAAATCATGAATATCAGCTA-3'